The following is an entry in ClinVar:

NM_000257.4(MYH7):c.2534G>A (p.Arg845Lys)

Genes: MYH7 (myosin heavy chain 7; minus strand), LOC126861898 (BRD4-independent group 4 enhancer GRCh37_chr14:23893609-23894808; plus strand). Cytogenetic location: 14q11.2.
Variant type: single nucleotide variant.
Coding change: c.2534G>A on transcript NM_000257.4 (MANE Select); coding-DNA position 2534, G replaced by A.
Protein change: p.Arg845Lys; replaces arginine 845 with lysine.
Molecular consequence: missense variant.
Genome position (GRCh38, 1-based): chr14:23,424,914, C>T on the plus strand (G>A on the coding strand, the complement: MYH7 is on the minus strand). VCF-style: chr14-23424914-C-T. GRCh37 (hg19) VCF-style: chr14-23894123-C-T.
Other names: c.2534G>A (LRG_384t1); short protein forms R845K.
Identifiers: ClinVar variation 636880 (VCV000636880.6), dbSNP rs1595082612, ClinGen allele CA389048213.
Genomic context (GRCh38, chr14:23,424,914, plus strand): 5'-TTCTCTAGCGCCTCTTTGAGGCGTGTGAACTCCTCCTTCATGGAGGCCATCTCCTTCTCT[C>T]TTTCTGCACTCTTCAGCAGCGGCTTGATCTTGAAGTAGAGCTTCATCCAGGGCCAATTCT-3'
Protein context (NP_000248.2, residues 835-855): KIKPLLKSAE[Arg845Lys]EKEMASMKEE

ClinVar aggregate classification (germline): Uncertain significance. Review status: criteria provided, multiple submitters, no conflicts (2 of 4 stars). 3 submissions from 3 submitters: Uncertain significance (3). Last evaluated 2025-12-02.

Conditions:
Cardiovascular phenotype. Identifiers: MedGen CN230736.
Hypertrophic cardiomyopathy. Also called: HYPERTROPHIC MYOCARDIOPATHY. Identifiers: Orphanet 217569, MedGen C0007194, MeSH D002312, MONDO:0005045, HP:0001639.

Allele frequency attached by ClinVar (database versions not stated): gnomAD exomes below 0.00001; TOPMed below 0.00001.
gnomAD v4.1: 2 of 1,614,252 alleles (0.00012%); highest among the groups gnomAD compares: Non-Finnish European, 0.00017%; no homozygotes.

Submissions (3):

Ambry Genetics
Classification: Uncertain significance for Cardiovascular phenotype. Last evaluated: 2025-12-02. Review status: criteria provided, single submitter. Criteria: Ambry Variant Classification Scheme 2023. Collection method: clinical testing. Allele origin: germline.
Comment: The p.R845K variant (also known as c.2534G>A), located in coding exon 20 of the MYH7 gene, results from a G to A substitution at nucleotide position 2534. The arginine at codon 845 is replaced by lysine, an amino acid with highly similar properties. This alteration is located in the myosin head domain, which contains a statistically significant clustering of pathogenic missense variants (Homburger JR et al. Proc Natl Acad Sci U S A, 2016 06;113:6701-6; Walsh R et al. Genet Med, 2017 02;19:192-203; Ambry internal data). This variant was reported in individual(s) with features consistent with hypertrophic cardiomyopathy (N&uacute;&ntilde;ez L et al. Circ J, 2013 Jun;77:2358-65; Lopes LR et al. Heart, 2015 Feb;101:294-301; Janin A et al. Mol Diagn Ther, 2021 May;25:373-385). This amino acid position is poorly conserved in available vertebrate species. In addition, this alteration is predicted to be tolerated by in silico analysis. Based on the available evidence, the clinical significance of this variant remains unclear.

Labcorp Genetics (formerly Invitae), Labcorp
Classification: Uncertain significance for Hypertrophic cardiomyopathy. Last evaluated: 2022-12-14. Review status: criteria provided, single submitter. Criteria: Invitae Variant Classification Sherloc (09022015). Collection method: clinical testing. Allele origin: germline.
Comment: This variant is not present in population databases (gnomAD no frequency). This sequence change replaces arginine, which is basic and polar, with lysine, which is basic and polar, at codon 845 of the MYH7 protein (p.Arg845Lys). This missense change has been observed in individual(s) with hypertrophic cardiomyopathy (PMID: 23782526). In summary, the available evidence is currently insufficient to determine the role of this variant in disease. Therefore, it has been classified as a Variant of Uncertain Significance. Advanced modeling of protein sequence and biophysical properties (such as structural, functional, and spatial information, amino acid conservation, physicochemical variation, residue mobility, and thermodynamic stability) performed at Invitae indicates that this missense variant is not expected to disrupt MYH7 protein function. ClinVar contains an entry for this variant (Variation ID: 636880).

Blueprint Genetics
Classification: Uncertain significance. Last evaluated: 2018-12-03. Review status: criteria provided, single submitter. Criteria: ACMG Guidelines, 2015. Collection method: clinical testing. Allele origin: germline.

Literature cited by the submitters: PubMed 23782526 (cited by Ambry Genetics and Labcorp Genetics (formerly Invitae), Labcorp); PubMed 25351510 (cited by Ambry Genetics); PubMed 33954932 (cited by Ambry Genetics).